The following is an entry in ClinVar:

NM_002875.5(RAD51):c.225+685T>C

Gene: RAD51 (RAD51 recombinase; plus strand). Cytogenetic location: 15q15.1.
Variant type: single nucleotide variant.
Coding change: c.225+685T>C on transcript NM_002875.5 (MANE Select); 685 bases into the intron after coding-DNA position 225, T replaced by C.
Molecular consequence: intron variant. On other transcripts: synonymous variant (2).
Genome position (GRCh38, 1-based): chr15:40,701,886, T>C. VCF-style: chr15-40701886-T-C. GRCh37 (hg19) VCF-style: chr15-40994084-T-C.
Other names: c.306T>C, p.Ser102= (NM_001164269.2, NM_133487.4); c.225+685T>C (NM_001164270.2).
Identifiers: ClinVar variation 2645184 (VCV002645184.24), dbSNP rs2504420636, ClinGen allele CA489772081.

ClinVar aggregate classification (germline): Likely benign (1 of 4 stars; one submission).

Submission:

CeGaT Center for Human Genetics Tuebingen
Classification: Likely benign. Last evaluated: 2025-05-01. Review status: criteria provided, single submitter. Criteria: CeGaT Center For Human Genetics Tuebingen Variant Classification Criteria Version 2. Collection method: clinical testing. Allele origin: germline. Affected: yes. Observed: 2 variant alleles.
Comment: RAD51: PM2:Supporting, BP4, BP7